The following is an entry in ClinVar:

NM_006947.4(SRP72):c.1843G>A (p.Ala615Thr)

Gene: SRP72 (signal recognition particle 72; plus strand). Cytogenetic location: 4q12.
Variant type: single nucleotide variant.
Coding change: c.1843G>A on transcript NM_006947.4 (MANE Select); coding-DNA position 1843, G replaced by A.
Protein change: p.Ala615Thr; replaces alanine 615 with threonine.
Molecular consequence: missense variant. On other transcripts: non-coding transcript variant (1).
Genome position (GRCh38, 1-based): chr4:56,501,688, G>A. VCF-style: chr4-56501688-G-A. GRCh37 (hg19) VCF-style: chr4-57367854-G-A.
Other names: c.1660G>A, p.Ala554Thr (NM_001267722.2); short protein forms A554T, A615T.
Identifiers: ClinVar variation 4844202 (VCV004844202.1).

ClinVar aggregate classification (germline): Uncertain significance (1 of 4 stars; one submission).

Submission:

Ambry Genetics
Classification: Uncertain significance. Last evaluated: 2026-01-20. Review status: criteria provided, single submitter. Criteria: Ambry Variant Classification Scheme 2023. Collection method: clinical testing. Allele origin: germline.
Comment: The p.A615T variant (also known as c.1843G>A), located in coding exon 19 of the SRP72 gene, results from a G to A substitution at nucleotide position 1843. The alanine at codon 615 is replaced by threonine, an amino acid with similar properties. This amino acid position is conserved. In addition, the in silico prediction for this alteration is inconclusive. Based on the available evidence, the clinical significance of this variant remains unclear.